The following is an entry in ClinVar:

ClinVar aggregate classification (germline): Uncertain significance (1 of 4 stars; one submission).

gnomAD v4.1: 17 of 1,614,028 alleles (0.0011%); highest among the groups gnomAD compares: Middle Eastern, 0.049%; no homozygotes.

Submission:

Labcorp Genetics (formerly Invitae), Labcorp
Classification: Uncertain significance. Last evaluated: 2025-10-02. Review status: criteria provided, single submitter. Criteria: Invitae Variant Classification Sherloc (09022015). Collection method: clinical testing. Allele origin: germline.
Comment: This sequence change replaces cysteine, which is neutral and slightly polar, with tyrosine, which is neutral and polar, at codon 259 of the PPP1R15B protein (p.Cys259Tyr). This variant is present in population databases (rs773227587, gnomAD 0.004%). This variant has not been reported in the literature in individuals affected with PPP1R15B-related conditions. ClinVar contains an entry for this variant (Variation ID: 3626225). Invitae Evidence Modeling of protein sequence and biophysical properties (such as structural, functional, and spatial information, amino acid conservation, physicochemical variation, residue mobility, and thermodynamic stability) indicates that this missense variant is not expected to disrupt PPP1R15B protein function with a negative predictive value of 80%. In summary, the available evidence is currently insufficient to determine the role of this variant in disease. Therefore, it has been classified as a Variant of Uncertain Significance.

NM_032833.5(PPP1R15B):c.776G>A (p.Cys259Tyr)

Gene: PPP1R15B (protein phosphatase 1 regulatory subunit 15B; minus strand). Cytogenetic location: 1q32.1.
Variant type: single nucleotide variant.
Coding change: c.776G>A on transcript NM_032833.5 (MANE Select); coding-DNA position 776, G replaced by A.
Protein change: p.Cys259Tyr; replaces cysteine 259 with tyrosine.
Molecular consequence: missense variant.
Genome position (GRCh38, 1-based): chr1:204,410,636, C>T on the plus strand (G>A on the coding strand, the complement: PPP1R15B is on the minus strand). VCF-style: chr1-204410636-C-T. GRCh37 (hg19) VCF-style: chr1-204379764-C-T.
Other names: short protein forms C259Y.
Identifiers: ClinVar variation 3626225 (VCV003626225.2).